The following is an entry in ClinVar:

NM_005379.4(MYO1A):c.2238C>G (p.Ser746=)

Gene: MYO1A (myosin IA; minus strand). Cytogenetic location: 12q13.3.
Variant type: single nucleotide variant.
Coding change: c.2238C>G on transcript NM_005379.4 (MANE Select); coding-DNA position 2238, C replaced by G.
Protein change: p.Ser746=; no amino-acid change (serine 746 retained).
Molecular consequence: synonymous variant.
Genome position (GRCh38, 1-based): chr12:57,036,808, G>C on the plus strand (C>G on the coding strand, the complement: MYO1A is on the minus strand). VCF-style: chr12-57036808-G-C. GRCh37 (hg19) VCF-style: chr12-57430592-G-C.
Other names: c.2238C>G, p.Ser746= (NM_001256041.2).
Identifiers: ClinVar variation 45308 (VCV000045308.32), dbSNP rs140932379, ClinGen allele CA136004.

ClinVar aggregate classification (germline): Benign/Likely benign. Review status: criteria provided, multiple submitters, no conflicts (2 of 4 stars). 3 submissions from 3 submitters: Benign (2); Likely benign (1). Last evaluated 2022-10-01.

Allele frequency attached by ClinVar (database versions not stated): TOPMed 0.00029; ESP Exome Variant Server 0.00046.
gnomAD v4.1: 728 of 1,614,070 alleles (0.045%); highest among the groups gnomAD compares: Middle Eastern, 0.21%; 1 homozygote.

Submissions (3):

CeGaT Center for Human Genetics Tuebingen
Classification: Benign. Last evaluated: 2022-10-01. Review status: criteria provided, single submitter. Criteria: CeGaT Center For Human Genetics Tuebingen Variant Classification Criteria Version 2. Collection method: clinical testing. Allele origin: germline. Affected: yes. Observed: 1 variant allele.
Comment: MYO1A: BS1, BS2

GeneDx
Classification: Benign. Last evaluated: 2018-12-24. Review status: criteria provided, single submitter. Criteria: GeneDx Variant Classification Process June 2021. Collection method: clinical testing. Allele origin: germline. Affected: yes.

Laboratory for Molecular Medicine, Mass General Brigham Personalized Medicine
Classification: Likely benign. Last evaluated: 2012-04-30. Review status: criteria provided, single submitter. Criteria: LMM Criteria. Collection method: clinical testing. Allele origin: germline. Observed: 1 variant allele.
Comment: Ser746Ser in Exon 21 of MYO1A: This variant is not expected to have clinical sig nificance because it does not alter an amino acid residue, is not located within the splice consensus sequence, and has been identified in 0.1% (6/7020) of Euro pean American chromosomes from a broad population by the NHLBI Exome Sequencing Project (dbSNP rs140932379).